The following is an entry in ClinVar:

ClinVar aggregate classification (germline): Uncertain significance (1 of 4 stars; one submission).

Submission:

Labcorp Genetics (formerly Invitae), Labcorp
Classification: Uncertain significance. Last evaluated: 2024-12-16. Review status: criteria provided, single submitter. Criteria: Invitae Variant Classification Sherloc (09022015). Collection method: clinical testing. Allele origin: germline.
Comment: This sequence change inserts a large fragment of DNA, likely a transposable element, in exon 5 of the GINS1 gene (c.365_366ins?), causing a frameshift at codon 123 (p.Thr123fs). The exact size and sequence of the insertion cannot be determined by the current assay. However, the insertion is expected to result in an absent or disrupted protein product. This variant is not present in population databases (gnomAD no frequency). This variant has not been reported in the literature in individuals affected with GINS1-related conditions. Retrotransposon insertions including LINE1 (L1), Alu, and SVA (SINE-VNTR-Alu) have been reported to disrupt protein function (PMID: 19763152, 20307669, 22406018). However the effect of this particular variant is unknown. In summary, the available evidence is currently insufficient to determine the role of this variant in disease. Therefore, it has been classified as a Variant of Uncertain Significance.

Literature cited by the submitters: PubMed 19763152; PubMed 20307669; PubMed 22406018.

NM_021067.5(GINS1):c.365_366insGGCCGGGCGCGGTGGCTCACGCCTGTAATCCCAGCACTTTGGGAGGCCGAGGCGGGCGGATCACGAGGTCAGNNNNNNNNNNAAAAAAAAAAAAAAAAAAAAAAAAGATCTCTTGC (p.Ala122_Thr123insAlaGlyArgGlyGlySerArgLeuTer)

Gene: GINS1 (GINS complex subunit 1; plus strand). Cytogenetic location: 20p11.21.
Variant type: Microsatellite.
Coding change: c.365_366insGGCCGGGCGCGGTGGCTCACGCCTGTAATCCCAGCACTTTGGGAGGCCGAGGCGGGCGGATCACGAGGTCAGNNNNNNNNNNAAAAAAAAAAAAAAAAAAAAAAAAGATCTCTTGC on transcript NM_021067.5 (MANE Select); coding-DNA positions 365 to 366, GGCCGGGCGCGGTGGCTCACGCCTGTAATCCCAGCACTTTGGGAGGCCGAGGCGGGCGGATCACGAGGTCAGNNNNNNNNNNAAAAAAAAAAAAAAAAAAAAAAAAGATCTCTTGC inserted.
Protein change: p.Ala122_Thr123insAlaGlyArgGlyGlySerArgLeuTer.
Molecular consequence: nonsense, inframe insertion. On other transcripts: non-coding transcript variant (1).
Genome position: GRCh38: chr20:25,425,232-25,425,245. GRCh37 (hg19): chr20:25,405,868-25,405,881.
Identifiers: ClinVar variation 1390189 (VCV001390189.6).